The following is an entry in ClinVar:

ClinVar aggregate classification (germline): Uncertain significance (1 of 4 stars; one submission).

Conditions:
CEP164-related disorder. Also called: CEP164-related condition.

gnomAD v4.1: 3 of 1,614,036 alleles (0.00019%); highest among the groups gnomAD compares: African/African-American, 0.004%; no homozygotes.

Submission:

PreventionGenetics, part of Exact Sciences
Classification: Uncertain significance for CEP164-related condition. Last evaluated: 2025-01-28. Review status: criteria provided, single submitter. Criteria: ACMG Guidelines, 2015. Collection method: clinical testing. Allele origin: germline.
Comment: The CEP164 c.2143G>A variant is predicted to result in the amino acid substitution p.Glu715Lys. To our knowledge, this variant has not been reported in the literature. This variant is reported in 0.018% of alleles in individuals of African descent in gnomAD. At this time, the clinical significance of this variant is uncertain due to the absence of conclusive functional and genetic evidence.

NM_014956.5(CEP164):c.2143G>A (p.Glu715Lys)

Gene: CEP164 (centrosomal protein 164; plus strand). Cytogenetic location: 11q23.3.
Variant type: single nucleotide variant.
Coding change: c.2143G>A on transcript NM_014956.5 (MANE Select); coding-DNA position 2143, G replaced by A.
Protein change: p.Glu715Lys; replaces glutamic acid 715 with lysine.
Molecular consequence: missense variant.
Genome position (GRCh38, 1-based): chr11:117,391,075, G>A. VCF-style: chr11-117391075-G-A. GRCh37 (hg19) VCF-style: chr11-117261791-G-A.
Other names: c.2152G>A, p.Glu718Lys (NM_001271933.2, NM_001440949.1); c.2143G>A, p.Glu715Lys (NM_001440950.1, NM_001440951.1, NM_001440953.1); c.1978G>A, p.Glu660Lys (NM_001440952.1, NM_001440968.1, NM_001440969.1); c.2065G>A, p.Glu689Lys (NM_001440954.1, NM_001440955.1, NM_001440958.1 and 1 more transcripts); c.2056G>A, p.Glu686Lys (NM_001440956.1, NM_001440957.1); c.2014G>A, p.Glu672Lys (NM_001440960.1); c.2005G>A, p.Glu669Lys (NM_001440961.1, NM_001440967.1); c.1996G>A, p.Glu666Lys (NM_001440962.1, NM_001440963.1, NM_001440964.1 and 4 more transcripts); and 7 more; short protein forms E590K, E669K, E619K, E666K, E718K, E640K, E645K, E715K.
Identifiers: ClinVar variation 4999753 (VCV004999753.1).